The following is an entry in ClinVar:

ClinVar aggregate classification (germline): Pathogenic (1 of 4 stars; one submission).

Conditions:
Wilson disease (WND). Also called: Wilson's disease. Identifiers: Orphanet 905, MedGen C0019202, MONDO:0010200, OMIM 277900. Disease mechanism: loss of function.

Submission:

Labcorp Genetics (formerly Invitae), Labcorp
Classification: Pathogenic for Wilson disease. Last evaluated: 2023-07-14. Review status: criteria provided, single submitter. Criteria: Invitae Variant Classification Sherloc (09022015). Collection method: clinical testing. Allele origin: germline.
Comment: For these reasons, this variant has been classified as Pathogenic. This variant disrupts a region of the ATP7B protein in which other variant(s) (p.Val1216Met) have been determined to be pathogenic (PMID: 10447265, 14966923, 15952988, 26253413). This suggests that this is a clinically significant region of the protein, and that variants that disrupt it are likely to be disease-causing. This variant has not been reported in the literature in individuals affected with ATP7B-related conditions. This variant is not present in population databases (gnomAD no frequency). This variant, c.3628_3648del, results in the deletion of 7 amino acid(s) of the ATP7B protein (p.Gln1210_Val1216del), but otherwise preserves the integrity of the reading frame.

Literature cited by the submitters: PubMed 10447265; PubMed 14966923; PubMed 15952988; PubMed 26253413.

NM_000053.4(ATP7B):c.3628_3648del (p.Gln1210_Val1216del)

Gene: ATP7B (ATPase copper transporting beta; minus strand). Cytogenetic location: 13q14.3.
Variant type: Deletion.
Coding change: c.3628_3648del on transcript NM_000053.4 (MANE Select); coding-DNA positions 3628 to 3648, 21 bases deleted (CAGAGCATGGGTGTGGACGTG).
Protein change: p.Gln1210_Val1216del.
Molecular consequence: inframe deletion.
Genome position (GRCh38, 1-based): chr13:51,939,102-51,939,122, CACGTCCACACCCATGCTCTG deleted on the plus strand (CAGAGCATGGGTGTGGACGTG on the coding strand, the reverse complement: ATP7B is on the minus strand); deleting any 21 consecutive bases within chr13:51,939,102-51,939,124 gives the same sequence; the c. name uses the placement nearest the transcript's 3' end. VCF-style (leftmost placement, unchanged base first): chr13-51939101-CCACGTCCACACCCATGCTCTG-C. GRCh37 (hg19) VCF-style: chr13-52513237-CCACGTCCACACCCATGCTCTG-C.
Other names: c.3007_3027del, p.Gln1003_Val1009del (NM_001005918.3); c.3295_3315del, p.Gln1099_Val1105del (NM_001243182.2); c.3394_3414del, p.Gln1132_Val1138del (NM_001330578.2, NM_001406527.1, NM_001406528.1); c.3376_3396del, p.Gln1126_Val1132del (NM_001330579.2, NM_001406531.1, NM_001406532.1); c.3628_3648del, p.Gln1210_Val1216del (NM_001406511.1, NM_001406512.1, NM_001406526.1); c.3622_3642del, p.Gln1208_Val1214del (NM_001406513.1); c.3595_3615del, p.Gln1199_Val1205del (NM_001406514.1); c.3574_3594del, p.Gln1192_Val1198del (NM_001406515.1, NM_001406516.1); and 20 more.
Identifiers: ClinVar variation 2914843 (VCV002914843.3), dbSNP rs2547583314, ClinGen allele CA2739277679.